The following is an entry in ClinVar:

ClinVar aggregate classification (germline): Conflicting classifications of pathogenicity. Review status: criteria provided, conflicting classifications (1 of 4 stars). 3 submissions from 3 submitters: Uncertain significance (1); Benign (1); Likely benign (1). Last evaluated 2026-01-01.

Conditions:
CHD7-related disorder. Also called: CHD7-related condition.
CHARGE syndrome (CHARGE). Also called: Coloboma, heart anomaly, choanal atresia, retardation, genital and ear anomalies; CHARGE association; Hall-Hittner syndrome; Hittner Hirsch Kreh syndrome; CHARGE ASSOCIATION--COLOBOMA, HEART ANOMALY, CHOANAL ATRESIA, RETARDATION, GENITAL AND EAR ANOMALIES. Identifiers: Orphanet 138, MedGen C0265354, MONDO:0008965.
Inborn genetic diseases. Identifiers: MedGen C0950123, MeSH D030342.

Allele frequency attached by ClinVar (database versions not stated): TOPMed 0.00001; gnomAD 0.00004; 1000 Genomes Project 0.00020; 1000 Genomes Project 30x 0.00031.
gnomAD v4.1: 15 of 1,613,992 alleles (0.00093%); highest among the groups gnomAD compares: African/African-American, 0.0093%; no homozygotes.

Submissions (3):

Labcorp Genetics (formerly Invitae), Labcorp
Classification: Benign for CHARGE syndrome. Last evaluated: 2026-01-01. Review status: criteria provided, single submitter. Criteria: Invitae Variant Classification Sherloc (09022015). Collection method: clinical testing. Allele origin: germline.

Ambry Genetics
Classification: Likely benign for Inborn genetic diseases. Last evaluated: 2025-10-30. Review status: criteria provided, single submitter. Criteria: Ambry Variant Classification Scheme 2023. Collection method: clinical testing. Allele origin: germline.

PreventionGenetics, part of Exact Sciences
Classification: Uncertain significance for CHD7-related condition. Last evaluated: 2023-05-19. Review status: criteria provided, single submitter. Criteria: ACMG Guidelines, 2015. Collection method: clinical testing. Allele origin: germline.
Comment: The CHD7 c.7283G>A variant is predicted to result in the amino acid substitution p.Arg2428Gln. To our knowledge, this variant has not been reported in the literature. This variant is reported in 0.017% of alleles in individuals of African descent in gnomAD and in ClinVar this variant has been interpreted as likely benign. Although we suspect this variant could be benign, at this time, the clinical significance of this variant is uncertain due to the absence of conclusive functional and genetic evidence.

NM_017780.4(CHD7):c.7283G>A (p.Arg2428Gln)

Gene: CHD7 (chromodomain helicase DNA binding protein 7; plus strand). Cytogenetic location: 8q12.2.
Variant type: single nucleotide variant.
Coding change: c.7283G>A on transcript NM_017780.4 (MANE Select); coding-DNA position 7283, G replaced by A.
Protein change: p.Arg2428Gln; replaces arginine 2428 with glutamine.
Molecular consequence: missense variant. On other transcripts: intron variant (1).
Genome position (GRCh38, 1-based): chr8:60,856,563, G>A. VCF-style: chr8-60856563-G-A. GRCh37 (hg19) VCF-style: chr8-61769122-G-A.
Other names: c.1717-5666G>A (NM_001316690.1); short protein forms R2428Q.
Identifiers: ClinVar variation 588640 (VCV000588640.10), dbSNP rs563360548, ClinGen allele CA177321713.